The following is an entry in ClinVar:

ClinVar aggregate classification (germline): Conflicting classifications of pathogenicity. Review status: criteria provided, conflicting classifications (1 of 4 stars). 3 submissions from 3 submitters: Likely pathogenic (2); Uncertain significance (1). Last evaluated 2024-02-14.

Conditions:
Autosomal recessive limb-girdle muscular dystrophy type 2J (LGMDR10). Also called: Limb-girdle muscular dystrophy, type 2J; MUSCULAR DYSTROPHY, LIMB-GIRDLE, AUTOSOMAL RECESSIVE 10. Identifiers: Orphanet 140922, MedGen C1837342, MONDO:0012127, OMIM 608807.
Dilated cardiomyopathy 1G (CMD1G). Identifiers: Orphanet 154, MedGen C1858763, MONDO:0011400, OMIM 604145.
Cardiovascular phenotype. Identifiers: MedGen CN230736.

Submissions (3):

Women's Health and Genetics/Laboratory Corporation of America, LabCorp
Classification: Likely pathogenic for Autosomal recessive limb-girdle muscular dystrophy type 2J. Last evaluated: 2024-02-14. Review status: criteria provided, single submitter. Criteria: LabCorp Variant Classification Summary - May 2015. Collection method: clinical testing. Allele origin: germline.
Comment: Variant summary: TTN c.89200+1G>A is located in a canonical splice-site and is predicted to affect mRNA splicing resulting in a significantly altered protein due to either exon skipping, shortening, or inclusion of intronic material. Several computational tools predict a significant impact on normal splicing: Four predict the variant abolishes a 5' splicing donor site. However, these predictions have yet to be confirmed by functional studies. The variant was absent in 222060 control chromosomes. To our knowledge, no occurrence of c.89200+1G>A in individuals affected with Limb-Girdle Muscular Dystrophy, Type 2J and no experimental evidence demonstrating its impact on protein function have been reported. ClinVar contains an entry for this variant (Variation ID: 466674). Based on the evidence outlined above, the variant was classified as likely pathogenic.

Ambry Genetics
Classification: Uncertain significance for Cardiovascular phenotype. Last evaluated: 2022-06-06. Review status: criteria provided, single submitter. Criteria: Ambry Variant Classification Scheme 2023. Collection method: clinical testing. Allele origin: germline.
Comment: The c.69709+1G>A intronic variant results from a G to A substitution one nucleotide after coding exon 174 of the TTN gene. Exon 174 is located in the A-band region of the N2-B isoform of the titin protein and is constitutively expressed in TTN transcripts (percent spliced in or PSI 100%). This alteration disrupts the canonical splice site and is expected to cause aberrant splicing. However, although direct evidence is unavailable, this alteration is predicted to result in an in-frame transcript that is not expected to trigger nonsense-mediated mRNA decay. The exact functional effect of the predicted splice impact is unknown. Since supporting evidence is limited at this time, the clinical significance of this alteration remains unclear.

Labcorp Genetics (formerly Invitae), Labcorp
Classification: Likely pathogenic for Dilated cardiomyopathy 1G; Autosomal recessive limb-girdle muscular dystrophy type 2J. Last evaluated: 2017-04-26. Review status: criteria provided, single submitter. Criteria: Invitae Variant Classification Sherloc (09022015). Collection method: clinical testing. Allele origin: germline.
Comment: For these reasons, this variant has been classified as Likely Pathogenic. This variant is found in the A-band of this gene. While this particular variant has not been reported in the literature, truncating variants in the A-band of TTN are significantly overrepresented in patients with dilated cardiomyopathy and are considered to be likely pathogenic for the disease (PMID: 25589632). ClinVar contains an entry for this variant (Variation ID: 202384). This sequence change affects a donor splice site in intron 347 of the TTN gene. It is expected to disrupt RNA splicing and likely results in an absent or disrupted protein product.

Literature cited by the submitters: PubMed 25589632 (cited by Labcorp Genetics (formerly Invitae), Labcorp).

NM_001267550.2(TTN):c.96904+1G>A

Genes: TTN (titin; minus strand), TTN-AS1 (TTN antisense RNA 1; plus strand), LOC126806421 (CDK7 strongly-dependent group 2 enhancer GRCh37_chr2:179407630-179408829; plus strand). Cytogenetic location: 2q31.2.
Variant type: single nucleotide variant.
Coding change: c.96904+1G>A on transcript NM_001267550.2 (MANE Select); the canonical splice donor site of the intron after coding-DNA position 96904, G replaced by A.
Molecular consequence: splice donor variant.
Genome position (GRCh38, 1-based): chr2:178,543,068, C>T on the plus strand (G>A on the coding strand, the complement: TTN is on the minus strand). VCF-style: chr2-178543068-C-T. GRCh37 (hg19) VCF-style: chr2-179407795-C-T.
Other names: c.69709+1G>A (NM_003319.4); c.70285+1G>A (NM_133437.4); c.70084+1G>A (NM_133432.3); c.89200+1G>A (NM_133378.4); c.91981+1G>A (NM_001256850.1).
Identifiers: ClinVar variation 466674 (VCV000466674.14), dbSNP rs1553517092, ClinGen allele CA349444554.